The following is an entry in ClinVar:

ClinVar aggregate classification (germline): Benign. Review status: criteria provided, multiple submitters, no conflicts (2 of 4 stars). 14 submissions from 10 submitters: Benign (14). Last evaluated 2026-02-04.

Conditions:
Congenital myasthenic syndrome 16. Identifiers: Orphanet 590, MedGen C3280112, MONDO:0013620, OMIM 614198.
Paramyotonia congenita of Von Eulenburg. Also called: Eulenburg disease; Myotonia congenita intermittens; Von Eulenburg paramyotonia congenita; PARALYSIS PERIODICA PARAMYOTONICA; Paramyotonia Congenita. Identifiers: Orphanet 684, MedGen C0221055, MONDO:0008195, OMIM 168300. Disease mechanism: loss of function.
Hypokalemic periodic paralysis, type 2 (HOKPP2). Identifiers: Orphanet 681, MedGen C2750061, MONDO:0013234, OMIM 613345.
Hyperkalemic periodic paralysis. Also called: Familial hyperkalemic periodic paralysis; Gamstorp disease. Identifiers: Orphanet 682, MedGen C0238357, MONDO:0008224, OMIM 170500, HP:0007215.
Potassium-aggravated myotonia. Also called: MYOTONIA CONGENITA, ACETAZOLAMIDE-RESPONSIVE; MYOTONIA CONGENITA, ATYPICAL; SODIUM CHANNEL MUSCLE DISEASE; Myotonia congenita, atypical, acetazolamide-responsive. Identifiers: Orphanet 612, Orphanet 99734, Orphanet 99735, Orphanet 99736, MedGen C2931826, MONDO:0018959, OMIM 608390.

Allele frequency attached by ClinVar (database versions not stated): 1000 Genomes Project 0.14018; TOPMed 0.16540; gnomAD 0.16627 and 0.16783; ESP Exome Variant Server 0.17453; gnomAD exomes 0.16552; 1000 Genomes Project 30x 0.13913; ExAC 0.16388.
gnomAD v4.1: 289,268 of 1,613,846 alleles (18%); highest among the groups gnomAD compares: Middle Eastern, 22%; 26,654 homozygotes.

Submissions (14):

Labcorp Genetics (formerly Invitae), Labcorp
Classification: Benign for Hyperkalemic periodic paralysis. Last evaluated: 2026-02-04. Review status: criteria provided, single submitter. Criteria: Invitae Variant Classification Sherloc (09022015). Collection method: clinical testing. Allele origin: germline.

Blueprint Genetics
Classification: Benign. Last evaluated: 2024-11-28. Review status: criteria provided, single submitter. Criteria: ACMG Guidelines, 2015. Collection method: clinical testing. Allele origin: germline.

Athena Diagnostics
Classification: Benign. Last evaluated: 2021-03-09. Review status: criteria provided, single submitter. Criteria: Athena Diagnostics Criteria. Collection method: clinical testing. Allele origin: unknown.

Illumina Laboratory Services, Illumina
Classification: Benign for Congenital myasthenic syndrome 16. Last evaluated: 2018-01-12. Review status: criteria provided, single submitter. Criteria: ICSL Variant Classification Criteria 13 December 2019. Collection method: clinical testing. Allele origin: germline.
Comment: This variant was observed in the ICSL laboratory as part of a predisposition screen in an ostensibly healthy population. It had not been previously curated by ICSL or reported in the Human Gene Mutation Database (HGMD: prior to June 1st, 2018), and was therefore a candidate for classification through an automated scoring system. Utilizing variant allele frequency, disease prevalence and penetrance estimates, and inheritance mode, an automated score was calculated to assess if this variant is too frequent to cause the disease. Based on the score and internal cut-off values, a variant classified as benign is not then subjected to further curation. The score for this variant resulted in a classification of benign for this disease.

Illumina Laboratory Services, Illumina
Classification: Benign for Paramyotonia congenita of Von Eulenburg. Last evaluated: 2018-01-12. Review status: criteria provided, single submitter. Criteria: ICSL Variant Classification Criteria 13 December 2019. Collection method: clinical testing. Allele origin: germline.
Comment: the same text as in the submission from Illumina Laboratory Services, Illumina above.

Illumina Laboratory Services, Illumina
Classification: Benign for Hyperkalemic periodic paralysis. Last evaluated: 2018-01-12. Review status: criteria provided, single submitter. Criteria: ICSL Variant Classification Criteria 13 December 2019. Collection method: clinical testing. Allele origin: germline.
Comment: the same text as in the submission from Illumina Laboratory Services, Illumina above.

Illumina Laboratory Services, Illumina
Classification: Benign for Hypokalemic periodic paralysis, type 2. Last evaluated: 2018-01-12. Review status: criteria provided, single submitter. Criteria: ICSL Variant Classification Criteria 13 December 2019. Collection method: clinical testing. Allele origin: germline.
Comment: the same text as in the submission from Illumina Laboratory Services, Illumina above.

Illumina Laboratory Services, Illumina
Classification: Benign for Potassium-aggravated myotonia. Last evaluated: 2018-01-12. Review status: criteria provided, single submitter. Criteria: ICSL Variant Classification Criteria 13 December 2019. Collection method: clinical testing. Allele origin: germline.
Comment: the same text as in the submission from Illumina Laboratory Services, Illumina above.

Mayo Clinic Laboratories, Mayo Clinic
Classification: Benign. Last evaluated: 2017-07-24. Review status: criteria provided, single submitter. Criteria: ACMG Guidelines, 2015. Collection method: clinical testing. Allele origin: germline. Observed: 334 variant alleles.

GeneDx
Classification: Benign. Last evaluated: 2015-03-03. Review status: criteria provided, single submitter. Criteria: GeneDx Variant Classification Process June 2021. Collection method: clinical testing. Allele origin: germline. Affected: yes.

Genetic Services Laboratory, University of Chicago
Classification: Benign for AllHighlyPenetrant. Last evaluated: 2013-08-15. Review status: criteria provided, single submitter. Criteria: ACMG Guidelines, 2007. Collection method: clinical testing. Allele origin: germline. Inheritance: Autosomal recessive inheritance.

Eurofins Ntd Llc (ga)
Classification: Benign. Last evaluated: 2013-07-05. Review status: criteria provided, single submitter. Criteria: EGL Classification Definitions 2015. Collection method: clinical testing. Allele origin: germline. Observed: 3 variant alleles, 3 heterozygotes.

Breakthrough Genomics
Classification: Benign. Review status: criteria provided, single submitter. Criteria: ACMG Guidelines, 2015. Collection method: not provided. Allele origin: germline. Inheritance: Autosomal recessive inheritance. Affected: yes.

PreventionGenetics, part of Exact Sciences
Classification: Benign. Review status: criteria provided, single submitter. Criteria: ACMG Guidelines, 2015. Collection method: clinical testing. Allele origin: germline.

NM_000334.4(SCN4A):c.4539C>A (p.Ile1513=)

Genes: SCN4A (sodium voltage-gated channel alpha subunit 4; minus strand), GH-LCR (growth hormone locus control region; plus strand). Cytogenetic location: 17q23.3.
Variant type: single nucleotide variant.
Coding change: c.4539C>A on transcript NM_000334.4 (MANE Select); coding-DNA position 4539, C replaced by A.
Protein change: p.Ile1513=; no amino-acid change (isoleucine 1513 retained).
Molecular consequence: synonymous variant.
Genome position (GRCh38, 1-based): chr17:63,941,743, G>T on the plus strand (C>A on the coding strand, the complement: SCN4A is on the minus strand). VCF-style: chr17-63941743-G-T. GRCh37 (hg19) VCF-style: chr17-62019103-G-T.
Other names: p.Ile1513=.
Identifiers: ClinVar variation 92863 (VCV000092863.28), dbSNP rs56342400, ClinGen allele CA146049.